The following is an entry in ClinVar:

NM_017934.7(PHIP):c.5054_5063delinsGGATT (p.Glu1685fs)

Genes: IRAK1BP1 (interleukin 1 receptor associated kinase 1 binding protein 1; plus strand), PHIP (PHIP subunit of CUL4-Ring ligase complex; minus strand). Cytogenetic location: 6q14.1.
Variant type: Indel.
Coding change: c.5054_5063delinsGGATT on transcript NM_017934.7 (MANE Select); coding-DNA positions 5054 to 5063, AAGTACTTCC replaced by GGATT.
Protein change: p.Glu1685fs; shifts the reading frame from glutamic acid 1685.
Molecular consequence: frameshift variant.
Genome position (GRCh38, 1-based): chr6:78,941,096-78,941,105, GGAAGTACTT replaced by AATCC on the plus strand (AAGTACTTCC replaced by GGATT on the coding strand, the reverse complement: PHIP is on the minus strand). VCF-style: chr6-78941096-GGAAGTACTT-AATCC. GRCh37 (hg19) VCF-style: chr6-79650813-GGAAGTACTT-AATCC.
Other names: short protein forms E1685fs.
Identifiers: ClinVar variation 2603870 (VCV002603870.2), dbSNP rs2481766143, ClinGen allele CA2582341705.

ClinVar aggregate classification (germline): Pathogenic (1 of 4 stars; one submission).

Conditions:
Inborn genetic diseases. Identifiers: MedGen C0950123, MeSH D030342.

Submission:

Ambry Genetics
Classification: Pathogenic for Inborn genetic diseases. Last evaluated: 2023-07-09. Review status: criteria provided, single submitter. Criteria: Ambry Variant Classification Scheme 2023. Collection method: clinical testing. Allele origin: germline.
Comment: The c.5054_5063delAAGTACTTCCinsGGATT (p.E1685Gfs*11) alteration, located in exon 40 (coding exon 40) of the PHIP gene, consists of a deletion of 10 and insertion of 5 nucleotides causing a translational frameshift at position 5054 with a predicted alternate stop codon after 11 amino acids. This alteration occurs at the 3' terminus of the PHIP gene, is not expected to trigger nonsense-mediated mRNA decay, and only impacts the last 136 amino acids of the protein. However, premature stop codons are typically deleterious in nature and the impacted region is critical for protein function (Ambry internal data). This variant was not reported in population-based cohorts in the Genome Aggregation Database (gnomAD). Based on the available evidence, this alteration is classified as pathogenic.